The following is an entry in ClinVar:

NM_021942.6(TRAPPC11):c.43C>T (p.Arg15Trp)

Gene: TRAPPC11 (trafficking protein particle complex subunit 11; plus strand). Cytogenetic location: 4q35.1.
Variant type: single nucleotide variant.
Coding change: c.43C>T on transcript NM_021942.6 (MANE Select); coding-DNA position 43, C replaced by T.
Protein change: p.Arg15Trp; replaces arginine 15 with tryptophan.
Molecular consequence: missense variant.
Genome position (GRCh38, 1-based): chr4:183,663,910, C>T. VCF-style: chr4-183663910-C-T. GRCh37 (hg19) VCF-style: chr4-184585063-C-T.
Other names: c.43C>T, p.Arg15Trp (NM_199053.3); c.43C>T (NM_021942.5); short protein forms R15W.
Identifiers: ClinVar variation 1041754 (VCV001041754.9), dbSNP rs532605756, ClinGen allele CA3151466.

ClinVar aggregate classification (germline): Uncertain significance. Review status: criteria provided, multiple submitters, no conflicts (2 of 4 stars). 2 submissions from 2 submitters: Uncertain significance (2). Last evaluated 2022-08-09.

Conditions:
Autosomal recessive limb-girdle muscular dystrophy type R18 (LGMDR18). Also called: MUSCULAR DYSTROPHY, LIMB-GIRDLE, AUTOSOMAL RECESSIVE 18; Autosomal recessive limb-girdle muscular dystrophy type 2S; Limb-girdle muscular dystrophy, type 2S. Identifiers: Orphanet 369840, MedGen C4517996, MONDO:0014144, OMIM 615356.

Allele frequency attached by ClinVar (database versions not stated): 1000 Genomes Project 0.00020; gnomAD 0.00001; TOPMed 0.00001; ExAC 0.00003; gnomAD exomes 0.00003 and 0.00004; 1000 Genomes Project 30x 0.00016.
gnomAD v4.1: 67 of 1,614,114 alleles (0.0042%); highest among the groups gnomAD compares: East Asian, 0.0089%; no homozygotes.

Submissions (2):

Labcorp Genetics (formerly Invitae), Labcorp
Classification: Uncertain significance for Autosomal recessive limb-girdle muscular dystrophy type R18. Last evaluated: 2022-08-09. Review status: criteria provided, single submitter. Criteria: Invitae Variant Classification Sherloc (09022015). Collection method: clinical testing. Allele origin: germline.
Comment: This variant is present in population databases (rs532605756, gnomAD 0.01%). In summary, the available evidence is currently insufficient to determine the role of this variant in disease. Therefore, it has been classified as a Variant of Uncertain Significance. Algorithms developed to predict the effect of missense changes on protein structure and function are either unavailable or do not agree on the potential impact of this missense change (SIFT: "Deleterious"; PolyPhen-2: "Possibly Damaging"; Align-GVGD: "Class C15"). ClinVar contains an entry for this variant (Variation ID: 1041754). This variant has not been reported in the literature in individuals affected with TRAPPC11-related conditions. This sequence change replaces arginine, which is basic and polar, with tryptophan, which is neutral and slightly polar, at codon 15 of the TRAPPC11 protein (p.Arg15Trp).

Revvity Omics, Revvity
Classification: Uncertain significance for Autosomal recessive limb-girdle muscular dystrophy type R18. Last evaluated: 2020-05-25. Review status: criteria provided, single submitter. Criteria: ACMG Guidelines, 2015. Collection method: clinical testing. Allele origin: germline.